The following is an entry in ClinVar:

NM_001346810.2(DLGAP2):c.107-10G>C

Gene: DLGAP2 (DLG associated protein 2; plus strand). Cytogenetic location: 8p23.3.
Variant type: single nucleotide variant.
Coding change: c.107-10G>C on transcript NM_001346810.2 (MANE Select); 10 bases into the intron before coding-DNA position 107, G replaced by C.
Molecular consequence: intron variant.
Genome position (GRCh38, 1-based): chr8:1,501,356, G>C. VCF-style: chr8-1501356-G-C. GRCh37 (hg19) VCF-style: chr8-1449522-G-C.
Identifiers: ClinVar variation 3044626 (VCV003044626.2), dbSNP rs143620327, ClinGen allele CA170292478.

ClinVar aggregate classification (germline): Likely benign (0 of 4 stars; one submission).

Conditions:
DLGAP2-related disorder. Also called: DLGAP2-related condition.

Allele frequency attached by ClinVar (database versions not stated): gnomAD 0.00009; TOPMed 0.00012; 1000 Genomes Project 30x 0.00062; 1000 Genomes Project 0.00080.
gnomAD v4.1: 99 of 1,535,916 alleles (0.0064%); highest among the groups gnomAD compares: East Asian, 0.23%; no homozygotes.

Submission:

PreventionGenetics, part of Exact Sciences
Classification: Likely benign for DLGAP2-related condition. Last evaluated: 2019-05-24. Review status: no assertion criteria provided. Collection method: clinical testing. Allele origin: germline.
Comment: This variant is classified as likely benign based on ACMG/AMP sequence variant interpretation guidelines (Richards et al. 2015 PMID: 25741868, with internal and published modifications).